The following is an entry in ClinVar:

NM_173630.4(RTTN):c.4878G>A (p.Thr1626=)

Gene: RTTN (rotatin; minus strand). Cytogenetic location: 18q22.2.
Variant type: single nucleotide variant.
Coding change: c.4878G>A on transcript NM_173630.4 (MANE Select); coding-DNA position 4878, G replaced by A.
Protein change: p.Thr1626=; no amino-acid change (threonine 1626 retained).
Molecular consequence: synonymous variant.
Genome position (GRCh38, 1-based): chr18:70,059,912, C>T on the plus strand (G>A on the coding strand, the complement: RTTN is on the minus strand). VCF-style: chr18-70059912-C-T. GRCh37 (hg19) VCF-style: chr18-67727148-C-T.
Other names: c.2142G>A, p.Thr714= (NM_001318520.2).
Identifiers: ClinVar variation 715833 (VCV000715833.42), dbSNP rs202066623, ClinGen allele CA8995114.
Genomic context (GRCh38, chr18:70,059,912, plus strand): 5'-ACAGAGAAGTTCTATGAGATGAGCTTGTCGAAAAGCCTTTGCAGTGTCTCTGGGAGCAAT[C>T]GTCAAGAGGTTGTCCAAGAGGCTGCACATTGCTGAAAGAAGAGATGGAGTAACAAAAACA-3'
Protein context (NP_775901.3, residues 1616-1636): AMCSLLDNLL[Thr1626=]IAPRDTAKAF

ClinVar aggregate classification (germline): Likely benign. Review status: criteria provided, multiple submitters, no conflicts (2 of 4 stars). 4 submissions from 4 submitters: Likely benign (3). 1 of the submissions does not count toward it. Last evaluated 2025-12-14.

Conditions:
RTTN-related disorder. Also called: RTTN-related condition.

Allele frequency attached by ClinVar (database versions not stated): TOPMed 0.00012; gnomAD 0.00016; ESP Exome Variant Server 0.00017; gnomAD exomes 0.00029 and 0.00032; ExAC 0.00047.
gnomAD v4.1: 446 of 1,613,242 alleles (0.028%); highest among the groups gnomAD compares: Non-Finnish European, 0.033%; no homozygotes.

Submissions (4):

Labcorp Genetics (formerly Invitae), Labcorp
Classification: Likely benign. Last evaluated: 2025-12-14. Review status: criteria provided, single submitter. Criteria: Invitae Variant Classification Sherloc (09022015). Collection method: clinical testing. Allele origin: germline.

CeGaT Center for Human Genetics Tuebingen
Classification: Likely benign. Last evaluated: 2025-09-01. Review status: criteria provided, single submitter. Criteria: CeGaT Center For Human Genetics Tuebingen Variant Classification Criteria Version 2. Collection method: clinical testing. Allele origin: germline. Affected: yes. Observed: 2 variant alleles.
Comment: RTTN: BP4, BP7

Blueprint Genetics
Classification: Likely benign. Last evaluated: 2024-04-10. Review status: criteria provided, single submitter. Criteria: ACMG Guidelines, 2015. Collection method: clinical testing. Allele origin: germline.

PreventionGenetics, part of Exact Sciences
Classification: Likely benign for RTTN-related condition. Last evaluated: 2022-09-16. Review status: no assertion criteria provided. Collection method: clinical testing. Allele origin: germline. Not counted in ClinVar's aggregate classification.
Comment: This variant is classified as likely benign based on ACMG/AMP sequence variant interpretation guidelines (Richards et al. 2015 PMID: 25741868, with internal and published modifications).